The following is an entry in ClinVar:

NM_032043.3(BRIP1):c.256T>C (p.Cys86Arg)

Gene: BRIP1 (BRCA1 interacting DNA helicase 1; minus strand). Cytogenetic location: 17q23.2.
Variant type: single nucleotide variant.
Coding change: c.256T>C on transcript NM_032043.3 (MANE Select); coding-DNA position 256, T replaced by C.
Protein change: p.Cys86Arg; replaces cysteine 86 with arginine.
Molecular consequence: missense variant.
Genome position (GRCh38, 1-based): chr17:61,857,181, A>G on the plus strand (T>C on the coding strand, the complement: BRIP1 is on the minus strand). VCF-style: chr17-61857181-A-G. GRCh37 (hg19) VCF-style: chr17-59934542-A-G.
Other names: short protein forms C86R.
Identifiers: ClinVar variation 461117 (VCV000461117.11), dbSNP rs1555617900, ClinGen allele CA400485522.

ClinVar aggregate classification (germline): Uncertain significance. Review status: criteria provided, multiple submitters, no conflicts (2 of 4 stars). 3 submissions from 3 submitters: Uncertain significance (3). Last evaluated 2025-07-12.

Conditions:
Hereditary cancer-predisposing syndrome. Also called: Hereditary neoplastic syndrome; Neoplastic Syndromes, Hereditary; Tumor predisposition; Hereditary Cancer Syndrome. Identifiers: Orphanet 140162, MedGen C0027672, MeSH D009386, MONDO:0015356.
Fanconi anemia complementation group J. Also called: BRIP1-Related Fanconi Anemia. Identifiers: Orphanet 84, MedGen C1836860, MONDO:0012187, OMIM 609054.
Familial cancer of breast. Also called: BREAST CANCER, FAMILIAL; hereditary breast carcinoma; Hereditary breast cancer. Identifiers: Orphanet 227535, MedGen C0346153, MONDO:0016419, OMIM 114480. Disease mechanism: loss of function.

Allele frequency attached by ClinVar (database versions not stated): gnomAD exomes below 0.00001; TOPMed below 0.00001.
gnomAD v4.1: 2 of 1,614,166 alleles (0.00012%); highest among the groups gnomAD compares: Non-Finnish European, 0.00017%; no homozygotes.

Submissions (3):

Ambry Genetics
Classification: Uncertain significance for Hereditary cancer-predisposing syndrome. Last evaluated: 2025-07-12. Review status: criteria provided, single submitter. Criteria: Ambry Variant Classification Scheme 2023. Collection method: clinical testing. Allele origin: germline.
Comment: The p.C86R variant (also known as c.256T>C), located in coding exon 3 of the BRIP1 gene, results from a T to C substitution at nucleotide position 256. The cysteine at codon 86 is replaced by arginine, an amino acid with highly dissimilar properties. This amino acid position is conserved. In addition, the in silico prediction for this alteration is inconclusive. Based on the available evidence, the clinical significance of this variant remains unclear.

Labcorp Genetics (formerly Invitae), Labcorp
Classification: Uncertain significance for Familial cancer of breast; Fanconi anemia complementation group J. Last evaluated: 2024-05-31. Review status: criteria provided, single submitter. Criteria: Invitae Variant Classification Sherloc (09022015). Collection method: clinical testing. Allele origin: germline.
Comment: This sequence change replaces cysteine, which is neutral and slightly polar, with arginine, which is basic and polar, at codon 86 of the BRIP1 protein (p.Cys86Arg). This variant is not present in population databases (gnomAD no frequency). This variant has not been reported in the literature in individuals affected with BRIP1-related conditions. ClinVar contains an entry for this variant (Variation ID: 461117). Advanced modeling of protein sequence and biophysical properties (such as structural, functional, and spatial information, amino acid conservation, physicochemical variation, residue mobility, and thermodynamic stability) performed at Invitae indicates that this missense variant is not expected to disrupt BRIP1 protein function with a negative predictive value of 80%. In summary, the available evidence is currently insufficient to determine the role of this variant in disease. Therefore, it has been classified as a Variant of Uncertain Significance.

Fulgent Genetics
Classification: Uncertain significance for Familial cancer of breast; Fanconi anemia complementation group J. Last evaluated: 2024-04-22. Review status: criteria provided, single submitter. Criteria: ACMG Guidelines, 2015. Collection method: clinical testing. Allele origin: germline.